The following is an entry in ClinVar:

NM_001130438.3(SPTAN1):c.1689G>T (p.Met563Ile)

Gene: SPTAN1 (spectrin alpha, non-erythrocytic 1; plus strand). Cytogenetic location: 9q34.11.
Variant type: single nucleotide variant.
Coding change: c.1689G>T on transcript NM_001130438.3 (MANE Select); coding-DNA position 1689, G replaced by T.
Protein change: p.Met563Ile; replaces methionine 563 with isoleucine.
Molecular consequence: missense variant.
Genome position (GRCh38, 1-based): chr9:128,582,732, G>T. VCF-style: chr9-128582732-G-T. GRCh37 (hg19) VCF-style: chr9-131345011-G-T.
Other names: p.M563I:ATG>ATT; c.1689G>T, p.Met563Ile (NM_001195532.2, NM_001363759.2, NM_001363765.2 and 1 more transcripts); short protein forms M563I.
Identifiers: ClinVar variation 207264 (VCV000207264.60), dbSNP rs373973880, ClinGen allele CA318570.

ClinVar aggregate classification (germline): Conflicting classifications of pathogenicity. Review status: criteria provided, conflicting classifications (1 of 4 stars). 8 submissions from 8 submitters: Uncertain significance (1); Benign (1); Likely benign (6). Last evaluated 2026-01-28.

Conditions:
Early-infantile DEE. Also called: Ohtahara syndrome; Early infantile epileptic encephalopathy; Early infantile epileptic encephalopathy with suppression bursts. Identifiers: Orphanet 1934, MedGen C0393706, MONDO:0800491.
Inborn genetic diseases. Identifiers: MedGen C0950123, MeSH D030342.
Developmental and epileptic encephalopathy, 5 (DEE5). Identifiers: Orphanet 3451, MedGen C3150731, MONDO:0013277, OMIM 613477.
Intellectual disability. Also called: Intellectual functioning disability; intellectual disabilities; Intellectual developmental disorder. Identifiers: MedGen C3714756, MeSH D008607, MONDO:0001071, HP:0001249.

Allele frequency attached by ClinVar (database versions not stated): gnomAD exomes 0.00005 and 0.00008; ExAC 0.00008; TOPMed 0.00008; gnomAD 0.00009; ESP Exome Variant Server 0.00015.
gnomAD v4.1: 87 of 1,613,892 alleles (0.0054%); highest among the groups gnomAD compares: Non-Finnish European, 0.0071%; no homozygotes.

Submissions (8):

Labcorp Genetics (formerly Invitae), Labcorp
Classification: Benign for Early-infantile DEE. Last evaluated: 2026-01-28. Review status: criteria provided, single submitter. Criteria: Invitae Variant Classification Sherloc (09022015). Collection method: clinical testing. Allele origin: germline.

CeGaT Center for Human Genetics Tuebingen
Classification: Likely benign. Last evaluated: 2025-12-01. Review status: criteria provided, single submitter. Criteria: CeGaT Center For Human Genetics Tuebingen Variant Classification Criteria Version 2. Collection method: clinical testing. Allele origin: germline. Affected: yes. Observed: 6 variant alleles.
Comment: SPTAN1: BP4

Blueprint Genetics
Classification: Likely benign. Last evaluated: 2024-11-26. Review status: criteria provided, single submitter. Criteria: ACMG Guidelines, 2015. Collection method: clinical testing. Allele origin: germline.

Ambry Genetics
Classification: Likely benign for Inborn genetic diseases. Last evaluated: 2024-09-03. Review status: criteria provided, single submitter. Criteria: Ambry Variant Classification Scheme 2023. Collection method: clinical testing. Allele origin: germline.

Genome-Nilou Lab
Classification: Likely benign for Developmental and epileptic encephalopathy, 5. Last evaluated: 2021-07-15. Review status: criteria provided, single submitter. Criteria: ACMG Guidelines, 2015. Collection method: clinical testing. Allele origin: germline. Affected: no.

GeneDx
Classification: Likely benign. Last evaluated: 2020-02-05. Review status: criteria provided, single submitter. Criteria: GeneDx Variant Classification Process June 2021. Collection method: clinical testing. Allele origin: germline. Affected: yes.

Cambridge Genomics Laboratory, East Genomic Laboratory Hub, NHS Genomic Medicine Service
Classification: Likely benign for Intellectual disability. Last evaluated: 2019-08-28. Review status: criteria provided, single submitter. Criteria: ACGS Best Practice Guidelines for Variant Classification in Rare Disease 2020. Collection method: clinical testing. Allele origin: germline. Affected: yes. Observed: 1 variant allele.

Athena Diagnostics
Classification: Uncertain significance. Last evaluated: 2018-02-09. Review status: criteria provided, single submitter. Criteria: Athena Diagnostics Criteria. Collection method: clinical testing. Allele origin: germline.